The following is an entry in ClinVar:

NC_000008.11:g.61714707T>C

Genes: ASPH (aspartate beta-hydroxylase; minus strand), LOC130000491 (ATAC-STARR-seq lymphoblastoid silent region 19236; plus strand). Cytogenetic location: 8q12.3.
Variant type: single nucleotide variant.
Genome position: GRCh38 VCF-style: chr8-61714707-T-C. GRCh37 (hg19) VCF-style: chr8-62627266-T-C.
Identifiers: ClinVar variation 4813942 (VCV004813942.1).

ClinVar aggregate classification (germline): Likely benign (1 of 4 stars; one submission).

Submission:

GeneDx
Classification: Likely benign. Last evaluated: 2020-07-28. Review status: criteria provided, single submitter. Criteria: GeneDx Variant Classification Process June 2021. Collection method: clinical testing. Allele origin: germline. Affected: yes.
Comment: See Variant Classification Assertion Criteria.